The following is an entry in ClinVar:

ClinVar aggregate classification (germline): Uncertain significance (1 of 4 stars; one submission).

Allele frequency attached by ClinVar (database versions not stated): gnomAD exomes below 0.00001.
gnomAD v4.1: 1 of 1,614,084 alleles (0.000062%); highest among the groups gnomAD compares: Non-Finnish European, 0.000085%; no homozygotes.

Submission:

Labcorp Genetics (formerly Invitae), Labcorp
Classification: Uncertain significance. Last evaluated: 2022-08-09. Review status: criteria provided, single submitter. Criteria: Invitae Variant Classification Sherloc (09022015). Collection method: clinical testing. Allele origin: germline.
Comment: Algorithms developed to predict the effect of missense changes on protein structure and function are either unavailable or do not agree on the potential impact of this missense change (SIFT: "Deleterious"; PolyPhen-2: "Possibly Damaging"; Align-GVGD: "Class C0"). This sequence change replaces glutamic acid, which is acidic and polar, with lysine, which is basic and polar, at codon 184 of the TRMT5 protein (p.Glu184Lys). This variant is not present in population databases (gnomAD no frequency). This variant has not been reported in the literature in individuals affected with TRMT5-related conditions. In summary, the available evidence is currently insufficient to determine the role of this variant in disease. Therefore, it has been classified as a Variant of Uncertain Significance.

NM_020810.3(TRMT5):c.550G>A (p.Glu184Lys)

Gene: TRMT5 (tRNA methyltransferase 5; minus strand). Cytogenetic location: 14q23.1.
Variant type: single nucleotide variant.
Coding change: c.550G>A on transcript NM_020810.3 (MANE Select); coding-DNA position 550, G replaced by A.
Protein change: p.Glu184Lys; replaces glutamic acid 184 with lysine.
Molecular consequence: missense variant.
Genome position (GRCh38, 1-based): chr14:60,979,348, C>T on the plus strand (G>A on the coding strand, the complement: TRMT5 is on the minus strand). VCF-style: chr14-60979348-C-T. GRCh37 (hg19) VCF-style: chr14-61446066-C-T.
Other names: c.634G>A, p.Glu212Lys (NM_001350253.1); c.631G>A, p.Glu211Lys (NM_001350254.1); short protein forms E184K, E211K, E212K.
Identifiers: ClinVar variation 2063655 (VCV002063655.4), dbSNP rs989638747, ClinGen allele CA389920662.